The following is an entry in ClinVar:

ClinVar aggregate classification (germline): Benign (1 of 4 stars; one submission).

Conditions:
Leigh syndrome (NULS). Also called: Leigh's necrotizing encephalopathy; Leigh's disease; Leigh Syndrome (mtDNA deletion); Leigh Disease; Subacute necrotizing encephalopathy; Necrotizing encephalopathy infantile subacute of Leigh. Identifiers: Orphanet 506, MedGen C2931891, MONDO:0009723, OMIM 256000.

Submission:

Wong Mito Lab, Molecular and Human Genetics, Baylor College of Medicine
Classification: Benign for Leigh syndrome. Last evaluated: 2019-10-17. Review status: criteria provided, single submitter. Criteria: Modified ACMG Guidelines (Unpublished). Collection method: clinical testing. Allele origin: germline.
Comment: The NC_012920.1:m.12850A>G (YP_003024036.1:p.Ile172Val) variant in MTND5 gene is interpretated to be a Benign variant based on the modified ACMG guidelines (unpublished). This variant meets the following evidence codes: BS1, BS2, BP4

Literature cited by the submitters: PubMed 25701779.

NC_012920.1(MT-ND5):m.12850A>G

Gene: MT-ND5 (mitochondrially encoded NADH dehydrogenase 5; plus strand).
Variant type: single nucleotide variant.
Genome position: chrM-12850-A-G.
Identifiers: ClinVar variation 693490 (VCV000693490.1), dbSNP rs28705385, ClinGen allele CA337099554.
Genomic context (GRCh38, chrMT:12,850, plus strand): 5'-TTCTTGCTCATCAGTTGATGATACGCCCGAGCAGATGCCAACACAGCAGCCATTCAAGCA[A>G]TCCTATACAACCGTATCGGCGATATCGGTTTCATCCTCGCCTTAGCATGATTTATCCTAC-3'